The following is an entry in ClinVar:

NM_181486.4(TBX5):c.212G>A (p.Gly71Asp)

Gene: TBX5 (T-box transcription factor 5; minus strand). Cytogenetic location: 12q24.21.
Variant type: single nucleotide variant.
Coding change: c.212G>A on transcript NM_181486.4 (MANE Select); coding-DNA position 212, G replaced by A.
Protein change: p.Gly71Asp; replaces glycine 71 with aspartic acid.
Molecular consequence: missense variant.
Genome position (GRCh38, 1-based): chr12:114,401,856, C>T on the plus strand (G>A on the coding strand, the complement: TBX5 is on the minus strand). VCF-style: chr12-114401856-C-T. GRCh37 (hg19) VCF-style: chr12-114839661-C-T.
Other names: c.212G>A, p.Gly71Asp (NM_000192.3); c.62G>A, p.Gly21Asp (NM_080717.4); short protein forms G71D, G21D.
Identifiers: ClinVar variation 5030555 (VCV005030555.1).

ClinVar aggregate classification (germline): Uncertain significance (1 of 4 stars; one submission).

Conditions:
Cardiovascular phenotype. Identifiers: MedGen CN230736.

Submission:

Ambry Genetics
Classification: Uncertain significance for Cardiovascular phenotype. Last evaluated: 2026-07-10. Review status: criteria provided, single submitter. Criteria: Ambry Variant Classification Scheme 2023. Collection method: clinical testing. Allele origin: germline.
Comment: The p.G71D variant (also known as c.212G>A), located in coding exon 2 of the TBX5 gene, results from a G to A substitution at nucleotide position 212. The glycine at codon 71 is replaced by aspartic acid, an amino acid with similar properties. This amino acid position is conserved. In addition, this alteration is predicted to be deleterious by in silico analysis. Based on the available evidence, the clinical significance of this variant remains unclear.